The following is an entry in ClinVar:

ClinVar aggregate classification (germline): Benign. Review status: criteria provided, multiple submitters, no conflicts (2 of 4 stars). 4 submissions from 4 submitters: Benign (3). 1 of the submissions does not count toward it. Last evaluated 2020-11-18.

Conditions:
MYH8-related disorder. Also called: MYH8-related condition.
Hecht syndrome (DA7). Also called: Dutch-Kentucky syndrome; MOUTH, INABILITY TO OPEN COMPLETELY, AND SHORT FINGER-FLEXOR TENDONS. Identifiers: Orphanet 3377, MedGen C0265226, MONDO:0008016, OMIM 158300. Disease mechanism: gain of function.

Allele frequency attached by ClinVar (database versions not stated): ExAC 0.00059; TOPMed 0.00208; ESP Exome Variant Server 0.00308; gnomAD exomes 0.00055; 1000 Genomes Project 0.00100; 1000 Genomes Project 30x 0.00109; gnomAD 0.00195 and 0.00220.
gnomAD v4.1: 627 of 1,613,998 alleles (0.039%); highest among the groups gnomAD compares: African/African-American, 0.72%; 3 homozygotes.

Submissions (4):

GeneDx
Classification: Benign. Last evaluated: 2020-11-18. Review status: criteria provided, single submitter. Criteria: GeneDx Variant Classification Process June 2021. Collection method: clinical testing. Allele origin: germline. Affected: yes.

Labcorp Genetics (formerly Invitae), Labcorp
Classification: Benign. Last evaluated: 2018-08-16. Review status: criteria provided, single submitter. Criteria: Invitae Variant Classification Sherloc (09022015). Collection method: clinical testing. Allele origin: germline.

Illumina Laboratory Services, Illumina
Classification: Benign for Hecht syndrome. Last evaluated: 2017-04-27. Review status: criteria provided, single submitter. Criteria: ICSL Variant Classification Criteria 13 December 2019. Collection method: clinical testing. Allele origin: germline.
Comment: This variant was observed as part of a predisposition screen in an ostensibly healthy population. A literature search was performed for the gene, cDNA change, and amino acid change (where applicable). No publications were found based on this search. Allele frequency data from public databases was too high to be consistent with this variant causing disease. Therefore, this variant is classified as benign.

PreventionGenetics, part of Exact Sciences
Classification: Benign for MYH8-related condition. Last evaluated: 2021-07-28. Review status: no assertion criteria provided. Collection method: clinical testing. Allele origin: germline. Not counted in ClinVar's aggregate classification.
Comment: This variant is classified as benign based on ACMG/AMP sequence variant interpretation guidelines (Richards et al. 2015 PMID: 25741868, with internal and published modifications).

NM_002472.3(MYH8):c.225G>C (p.Arg75Ser)

Genes: MYH8 (myosin heavy chain 8; minus strand), MYHAS (myosin heavy chain gene cluster antisense RNA; plus strand). Cytogenetic location: 17p13.1.
Variant type: single nucleotide variant.
Coding change: c.225G>C on transcript NM_002472.3 (MANE Select); coding-DNA position 225, G replaced by C.
Protein change: p.Arg75Ser; replaces arginine 75 with serine.
Molecular consequence: missense variant.
Genome position (GRCh38, 1-based): chr17:10,419,016, C>G on the plus strand (G>C on the coding strand, the complement: MYH8 is on the minus strand). VCF-style: chr17-10419016-C-G. GRCh37 (hg19) VCF-style: chr17-10322333-C-G.
Other names: short protein forms R75S.
Identifiers: ClinVar variation 258716 (VCV000258716.12), dbSNP rs146732664, ClinGen allele CA8388434.